The following is an entry in ClinVar:

ClinVar aggregate classification (germline): Uncertain significance (1 of 4 stars; one submission).

Submission:

Labcorp Genetics (formerly Invitae), Labcorp
Classification: Uncertain significance. Last evaluated: 2025-10-23. Review status: criteria provided, single submitter. Criteria: Invitae Variant Classification Sherloc (09022015). Collection method: clinical testing. Allele origin: germline.
Comment: This sequence change creates a premature translational stop signal (p.Gln498Asnfs*4) in the DDX58 gene. It is expected to result in an absent or disrupted protein product. However, the current clinical and genetic evidence is not sufficient to establish whether loss-of-function variants in DDX58 cause disease. This variant is not present in population databases (gnomAD no frequency). This variant has not been reported in the literature in individuals affected with DDX58-related conditions. In summary, the available evidence is currently insufficient to determine the role of this variant in disease. Therefore, it has been classified as a Variant of Uncertain Significance.

NM_014314.4(RIGI):c.1491_1492del (p.Gln498fs)

Gene: RIGI (RNA sensor RIG-I; minus strand). Cytogenetic location: 9p21.1.
Variant type: Microsatellite.
Coding change: c.1491_1492del on transcript NM_014314.4 (MANE Select); coding-DNA positions 1491 to 1492, 2 bases deleted (TC; older notation c.1491_1492delTC).
Protein change: p.Gln498fs; shifts the reading frame from glutamine 498.
Molecular consequence: frameshift variant.
Genome position (GRCh38, 1-based): chr9:32,481,486-32,481,487, GA deleted on the plus strand (TC on the coding strand, the reverse complement: RIGI is on the minus strand); deleting any 2 consecutive bases within chr9:32,481,486-32,481,489 gives the same sequence; the c. name uses the placement nearest the transcript's 3' end. VCF-style (leftmost placement, unchanged base first): chr9-32481485-TGA-T. GRCh37 (hg19) VCF-style: chr9-32481483-TGA-T.
Other names: c.1485_1486del, p.Gln496fs (NM_001385907.1); c.1491_1492del, p.Gln498fs (NM_001385909.1); c.1050_1051del, p.Gln351fs (NM_001385910.1); c.882_883del, p.Gln295fs (NM_001385912.1); c.1476_1477del, p.Gln493fs (NM_001385913.1); c.1047_1048del, p.Gln350fs (NM_001385914.1); short protein forms Q351fs, Q493fs, Q496fs, Q295fs, Q350fs, Q498fs.
Identifiers: ClinVar variation 4728042 (VCV004728042.1).